The following is an entry in ClinVar:

NM_000540.3(RYR1):c.12806A>G (p.Glu4269Gly)

Gene: RYR1 (ryanodine receptor 1; plus strand). Cytogenetic location: 19q13.2.
Variant type: single nucleotide variant.
Coding change: c.12806A>G on transcript NM_000540.3 (MANE Select); coding-DNA position 12806, A replaced by G.
Protein change: p.Glu4269Gly; replaces glutamic acid 4269 with glycine.
Molecular consequence: missense variant.
Genome position (GRCh38, 1-based): chr19:38,565,140, A>G. VCF-style: chr19-38565140-A-G. GRCh37 (hg19) VCF-style: chr19-39055780-A-G.
Other names: c.12791A>G, p.Glu4264Gly (NM_001042723.2); short protein forms E4264G, E4269G.
Identifiers: ClinVar variation 2435566 (VCV002435566.5), dbSNP rs762185454, ClinGen allele CA059446.
Genomic context (GRCh38, chr19:38,565,140, plus strand): 5'-AGATCTCGGAGCCCGAGGGCGAGCCGGAGACCGACGAGGACGAGGGCGCGGGCGCGGCGG[A>G]GGCGGGCGCGGAAGGCGCGGAGGAGGGCGCGGCGGGGCTCGAGGGCACGGCGGCCACGGC-3'
Protein context (NP_000531.2, residues 4259-4279): TDEDEGAGAA[Glu4269Gly]AGAEGAEEGA

ClinVar aggregate classification (germline): Uncertain significance. Review status: criteria provided, multiple submitters, no conflicts (2 of 4 stars). 3 submissions from 3 submitters: Uncertain significance (3). Last evaluated 2025-02-12.

Conditions:
Inborn genetic diseases. Identifiers: MedGen C0950123, MeSH D030342.
RYR1-related disorder. Also called: RYR1-related condition; RYR1-related disorders. Identifiers: MedGen CN239331.

Allele frequency attached by ClinVar (database versions not stated): gnomAD 0.00003; ExAC 0.00009.
gnomAD v4.1: 14 of 1,522,894 alleles (0.00092%); highest among the groups gnomAD compares: East Asian, 0.012%; no homozygotes.

Submissions (3):

Ambry Genetics
Classification: Uncertain significance for Inborn genetic diseases. Last evaluated: 2025-02-12. Review status: criteria provided, single submitter. Criteria: Ambry Variant Classification Scheme 2023. Collection method: clinical testing. Allele origin: germline.

Labcorp Genetics (formerly Invitae), Labcorp
Classification: Uncertain significance for RYR1-related disorder. Last evaluated: 2025-01-17. Review status: criteria provided, single submitter. Criteria: Invitae Variant Classification Sherloc (09022015). Collection method: clinical testing. Allele origin: germline.
Comment: This sequence change replaces glutamic acid, which is acidic and polar, with glycine, which is neutral and non-polar, at codon 4269 of the RYR1 protein (p.Glu4269Gly). This variant is present in population databases (rs762185454, gnomAD 0.05%). This variant has not been reported in the literature in individuals affected with RYR1-related conditions. ClinVar contains an entry for this variant (Variation ID: 2435566). Invitae Evidence Modeling of protein sequence and biophysical properties (such as structural, functional, and spatial information, amino acid conservation, physicochemical variation, residue mobility, and thermodynamic stability) indicates that this missense variant is not expected to disrupt RYR1 protein function with a negative predictive value of 80%. In summary, the available evidence is currently insufficient to determine the role of this variant in disease. Therefore, it has been classified as a Variant of Uncertain Significance.

Revvity Omics, Revvity
Classification: Uncertain significance. Last evaluated: 2021-02-09. Review status: criteria provided, single submitter. Criteria: ACMG Guidelines, 2015. Collection method: clinical testing. Allele origin: germline.